The following is an entry in ClinVar:

NM_002693.3(POLG):c.867G>C (p.Met289Ile)

Gene: POLG (DNA polymerase gamma, catalytic subunit; minus strand). Cytogenetic location: 15q26.1.
Variant type: single nucleotide variant.
Coding change: c.867G>C on transcript NM_002693.3 (MANE Select); coding-DNA position 867, G replaced by C.
Protein change: p.Met289Ile; replaces methionine 289 with isoleucine.
Molecular consequence: missense variant.
Genome position (GRCh38, 1-based): chr15:89,329,099, C>G on the plus strand (G>C on the coding strand, the complement: POLG is on the minus strand). VCF-style: chr15-89329099-C-G. GRCh37 (hg19) VCF-style: chr15-89872330-C-G.
Other names: c.867G>C, p.Met289Ile (NM_001126131.2); short protein forms M289I.
Identifiers: ClinVar variation 4802424 (VCV004802424.1).

ClinVar aggregate classification (germline): Uncertain significance (1 of 4 stars; one submission).

Conditions:
Progressive sclerosing poliodystrophy (MTDPS4A). Also called: ALPERS PROGRESSIVE INFANTILE POLIODYSTROPHY; NEURONAL DEGENERATION OF CHILDHOOD WITH LIVER DISEASE, PROGRESSIVE; Mitochondrial DNA Depletion Syndrome 4A; Alpers Syndrome; ALPERS DIFFUSE DEGENERATION OF CEREBRAL GRAY MATTER WITH HEPATIC CIRRHOSIS; Alpers-Huttenlocher Syndrome. Identifiers: Orphanet 726, MedGen C0205710, MONDO:0008758, OMIM 203700.

Submission:

Labcorp Genetics (formerly Invitae), Labcorp
Classification: Uncertain significance for Progressive sclerosing poliodystrophy. Last evaluated: 2025-06-08. Review status: criteria provided, single submitter. Criteria: Invitae Variant Classification Sherloc (09022015). Collection method: clinical testing. Allele origin: germline.
Comment: This sequence change replaces methionine, which is neutral and non-polar, with isoleucine, which is neutral and non-polar, at codon 289 of the POLG protein (p.Met289Ile). This variant is not present in population databases (gnomAD no frequency). This variant has not been reported in the literature in individuals affected with POLG-related conditions. Invitae Evidence Modeling of protein sequence and biophysical properties (such as structural, functional, and spatial information, amino acid conservation, physicochemical variation, residue mobility, and thermodynamic stability) indicates that this missense variant is not expected to disrupt POLG protein function with a negative predictive value of 95%. In summary, the available evidence is currently insufficient to determine the role of this variant in disease. Therefore, it has been classified as a Variant of Uncertain Significance.